The following is an entry in ClinVar:

NM_001267550.2(TTN):c.94067G>A (p.Trp31356Ter)

Genes: TTN (titin; minus strand), TTN-AS1 (TTN antisense RNA 1; plus strand). Cytogenetic location: 2q31.2.
Variant type: single nucleotide variant.
Coding change: c.94067G>A on transcript NM_001267550.2 (MANE Select); coding-DNA position 94067, G replaced by A.
Protein change: p.Trp31356Ter; replaces tryptophan 31356 with a stop codon.
Molecular consequence: nonsense.
Genome position (GRCh38, 1-based): chr2:178,547,559, C>T on the plus strand (G>A on the coding strand, the complement: TTN is on the minus strand). VCF-style: chr2-178547559-C-T. GRCh37 (hg19) VCF-style: chr2-179412286-C-T.
Other names: c.89144G>A, p.Trp29715Ter (NM_001256850.1); c.66872G>A, p.Trp22291Ter (NM_003319.4); c.86363G>A, p.Trp28788Ter (NM_133378.4); c.67247G>A, p.Trp22416Ter (NM_133432.3); c.67448G>A, p.Trp22483Ter (NM_133437.4); short protein forms W22416*, W28788*, W22291*, W29715*, W31356*, W22483*.
Identifiers: ClinVar variation 1933005 (VCV001933005.5), dbSNP rs2469098814, ClinGen allele CA349478227.

ClinVar aggregate classification (germline): Likely pathogenic (1 of 4 stars; one submission).

Conditions:
Dilated cardiomyopathy 1G (CMD1G). Identifiers: Orphanet 154, MedGen C1858763, MONDO:0011400, OMIM 604145.
Autosomal recessive limb-girdle muscular dystrophy type 2J (LGMDR10). Also called: Limb-girdle muscular dystrophy, type 2J; MUSCULAR DYSTROPHY, LIMB-GIRDLE, AUTOSOMAL RECESSIVE 10. Identifiers: Orphanet 140922, MedGen C1837342, MONDO:0012127, OMIM 608807.

Submission:

Labcorp Genetics (formerly Invitae), Labcorp
Classification: Likely pathogenic for Dilated cardiomyopathy 1G; Autosomal recessive limb-girdle muscular dystrophy type 2J. Last evaluated: 2022-10-03. Review status: criteria provided, single submitter. Criteria: Invitae Variant Classification Sherloc (09022015). Collection method: clinical testing. Allele origin: germline.
Comment: In summary, the currently available evidence indicates that the variant is pathogenic, but additional data are needed to prove that conclusively. Therefore, this variant has been classified as Likely Pathogenic. This variant is located in the A band of TTN (PMID: 25589632). Truncating variants in this region are significantly overrepresented in patients affected with dilated cardiomyopathy (PMID: 25589632). Truncating variants in this region have also been reported in individuals affected with autosomal recessive centronuclear myopathy (PMID: 23975875). This variant has not been reported in the literature in individuals affected with TTN-related conditions. This variant is not present in population databases (gnomAD no frequency). This sequence change creates a premature translational stop signal (p.Trp31356*) in the TTN gene. While this is not anticipated to result in nonsense mediated decay, it is expected to create a truncated TTN protein.

Literature cited by the submitters: PubMed 25589632; PubMed 23975875.